The following is an entry in ClinVar:

NM_004408.4(DNM1):c.1505G>A (p.Arg502Lys)

Gene: DNM1 (dynamin 1; plus strand). Cytogenetic location: 9q34.11.
Variant type: single nucleotide variant.
Coding change: c.1505G>A on transcript NM_004408.4 (MANE Select); coding-DNA position 1505, G replaced by A.
Protein change: p.Arg502Lys; replaces arginine 502 with lysine.
Molecular consequence: missense variant.
Genome position (GRCh38, 1-based): chr9:128,239,739, G>A. VCF-style: chr9-128239739-G-A. GRCh37 (hg19) VCF-style: chr9-131002018-G-A.
Other names: c.1505G>A, p.Arg502Lys (NM_001005336.3, NM_001288737.2, NM_001288738.2 and 2 more transcripts); short protein forms R502K.
Identifiers: ClinVar variation 4737094 (VCV004737094.1).

ClinVar aggregate classification (germline): Uncertain significance (1 of 4 stars; one submission).

Conditions:
Developmental and epileptic encephalopathy, 31A. Also called: Epileptic encephalopathy, early infantile, 31; Developmental and epileptic encephalopathy, 31. Identifiers: Orphanet 2382, MedGen C4225357, MONDO:0014598, OMIM 616346.

Submission:

Labcorp Genetics (formerly Invitae), Labcorp
Classification: Uncertain significance for Developmental and epileptic encephalopathy, 31A. Last evaluated: 2025-05-26. Review status: criteria provided, single submitter. Criteria: Invitae Variant Classification Sherloc (09022015). Collection method: clinical testing. Allele origin: germline.
Comment: This sequence change replaces arginine, which is basic and polar, with lysine, which is basic and polar, at codon 502 of the DNM1 protein (p.Arg502Lys). This variant is not present in population databases (gnomAD no frequency). This variant has not been reported in the literature in individuals affected with DNM1-related conditions. Invitae Evidence Modeling of protein sequence and biophysical properties (such as structural, functional, and spatial information, amino acid conservation, physicochemical variation, residue mobility, and thermodynamic stability) indicates that this missense variant is not expected to disrupt DNM1 protein function with a negative predictive value of 80%. In summary, the available evidence is currently insufficient to determine the role of this variant in disease. Therefore, it has been classified as a Variant of Uncertain Significance.